The following is an entry in ClinVar:

ClinVar aggregate classification (germline): Likely benign. Review status: criteria provided, multiple submitters, no conflicts (2 of 4 stars). 2 submissions from 2 submitters: Likely benign (2). Last evaluated 2026-01-26.

Submissions (2):

Labcorp Genetics (formerly Invitae), Labcorp
Classification: Likely benign. Last evaluated: 2026-01-26. Review status: criteria provided, single submitter. Criteria: Invitae Variant Classification Sherloc (09022015). Collection method: clinical testing. Allele origin: germline.

CeGaT Center for Human Genetics Tuebingen
Classification: Likely benign. Last evaluated: 2022-05-01. Review status: criteria provided, single submitter. Criteria: CeGaT Center For Human Genetics Tuebingen Variant Classification Criteria Version 2. Collection method: clinical testing. Allele origin: germline. Affected: yes. Observed: 1 variant allele.
Comment: CLCN5: PM2:Supporting, BP4, BP7

NM_001127898.4(CLCN5):c.2103T>C (p.Leu701=)

Genes: CLCN5 (Cl-/H+ antiporter 5; plus strand), LOC126863258 (BRD4-independent group 4 enhancer GRCh37_chrX:49854497-49855696; plus strand). Cytogenetic location: Xp11.23.
Variant type: single nucleotide variant.
Coding change: c.2103T>C on transcript NM_001127898.4 (MANE Select); coding-DNA position 2103, T replaced by C.
Protein change: p.Leu701=; no amino-acid change (leucine 701 retained).
Molecular consequence: synonymous variant.
Genome position (GRCh38, 1-based): chrX:50,090,474, T>C. VCF-style: chrX-50090474-T-C. GRCh37 (hg19) VCF-style: chrX-49855131-T-C.
Other names: c.1893T>C, p.Leu631= (NM_000084.5); c.2103T>C, p.Leu701= (NM_001127899.4); c.1953T>C, p.Leu651= (NM_001282163.2).
Identifiers: ClinVar variation 2025822 (VCV002025822.28), dbSNP rs2519445686, ClinGen allele CA516678845.